The following is an entry in ClinVar:

ClinVar aggregate classification (germline): Uncertain significance. Review status: criteria provided, multiple submitters, no conflicts (2 of 4 stars). 6 submissions from 6 submitters: Uncertain significance (6). Last evaluated 2024-10-02.

Conditions:
Inborn genetic diseases. Identifiers: MedGen C0950123, MeSH D030342.
Neuronal ceroid lipofuscinosis. Also called: Neuronal Ceroid Lipofuscinoses. Identifiers: Orphanet 216, Orphanet 79263, MedGen C0027877, MONDO:0016295. Disease mechanism: loss of function.
Neuronal ceroid lipofuscinosis 3 (CLN3). Identifiers: Orphanet 228346, MedGen C0751383, MONDO:0008767, OMIM 204200.

Allele frequency attached by ClinVar (database versions not stated): gnomAD exomes 0.00002 and 0.00001; TOPMed 0.00004; gnomAD 0.00005 and 0.00006; ESP Exome Variant Server 0.00008; ExAC 0.00002.
gnomAD v4.1: 24 of 1,614,030 alleles (0.0015%); highest among the groups gnomAD compares: African/African-American, 0.011%; no homozygotes.

Submissions (6):

Blueprint Genetics
Classification: Uncertain significance. Last evaluated: 2024-10-02. Review status: criteria provided, single submitter. Criteria: ACMG Guidelines, 2015. Collection method: clinical testing. Allele origin: germline.

GeneDx
Classification: Uncertain significance. Last evaluated: 2024-09-11. Review status: criteria provided, single submitter. Criteria: GeneDx Variant Classification Process June 2021. Collection method: clinical testing. Allele origin: germline. Affected: yes.
Comment: Not observed at significant frequency in large population cohorts (gnomAD); In silico analysis supports that this missense variant has a deleterious effect on protein structure/function; Has not been previously published as pathogenic or benign to our knowledge

Labcorp Genetics (formerly Invitae), Labcorp
Classification: Uncertain significance for Neuronal ceroid lipofuscinosis. Last evaluated: 2022-08-23. Review status: criteria provided, single submitter. Criteria: Invitae Variant Classification Sherloc (09022015). Collection method: clinical testing. Allele origin: germline.
Comment: This sequence change replaces threonine, which is neutral and polar, with methionine, which is neutral and non-polar, at codon 97 of the CLN3 protein (p.Thr97Met). This variant is present in population databases (rs376421578, gnomAD 0.01%). This variant has not been reported in the literature in individuals affected with CLN3-related conditions. ClinVar contains an entry for this variant (Variation ID: 434792). Algorithms developed to predict the effect of missense changes on protein structure and function are either unavailable or do not agree on the potential impact of this missense change (SIFT: "Deleterious"; PolyPhen-2: "Probably Damaging"; Align-GVGD: "Class C0"). In summary, the available evidence is currently insufficient to determine the role of this variant in disease. Therefore, it has been classified as a Variant of Uncertain Significance.

Genome-Nilou Lab
Classification: Uncertain significance for Neuronal ceroid lipofuscinosis 3. Last evaluated: 2021-09-05. Review status: criteria provided, single submitter. Criteria: ACMG Guidelines, 2015. Collection method: clinical testing. Allele origin: germline. Affected: no.

Ambry Genetics
Classification: Uncertain significance for Inborn genetic diseases. Last evaluated: 2019-02-25. Review status: criteria provided, single submitter. Criteria: Ambry Variant Classification Scheme 2023. Collection method: clinical testing. Allele origin: germline.
Comment: The p.T97M variant (also known as c.290C>T), located in coding exon 4 of the CLN3 gene, results from a C to T substitution at nucleotide position 290. The threonine at codon 97 is replaced by methionine, an amino acid with similar properties. This amino acid position is highly conserved in available vertebrate species. In addition, the in silico prediction for this alteration is inconclusive. Since supporting evidence is limited at this time, the clinical significance of this alteration remains unclear.

Genetic Services Laboratory, University of Chicago
Classification: Uncertain significance. Last evaluated: 2016-03-02. Review status: criteria provided, single submitter. Criteria: ACMG Guidelines, 2015. Collection method: clinical testing. Allele origin: germline. Affected: no.

NM_001042432.2(CLN3):c.290C>T (p.Thr97Met)

Gene: CLN3 (CLN3 lysosomal/endosomal transmembrane protein, battenin; minus strand). Cytogenetic location: 16p12.1.
Variant type: single nucleotide variant.
Coding change: c.290C>T on transcript NM_001042432.2 (MANE Select); coding-DNA position 290, C replaced by T.
Protein change: p.Thr97Met; replaces threonine 97 with methionine.
Molecular consequence: missense variant. On other transcripts: intron variant (2).
Genome position (GRCh38, 1-based): chr16:28,488,595, G>A on the plus strand (C>T on the coding strand, the complement: CLN3 is on the minus strand). VCF-style: chr16-28488595-G-A. GRCh37 (hg19) VCF-style: chr16-28499916-G-A.
Other names: c.290C>T, p.Thr97Met (NM_000086.2); c.70C>T, p.Arg24Trp (NM_001286105.2); c.128C>T, p.Thr43Met (NM_001286110.2); c.60+695C>T (NM_001286109.2); c.222+695C>T (NM_001286104.2); short protein forms T97M, T43M, R24W.
Identifiers: ClinVar variation 434792 (VCV000434792.16), dbSNP rs376421578, ClinGen allele CA7980998.
Genomic context (GRCh38, chr16:28,488,595, plus strand): 5'-GTCTATAGACCCAGGGGCCCTGGGTCAGGCAAGGACCAGGTGAGATGAGTACGCACAGCC[G>A]TAGAGACAGAGTTGCAGTCAAATCGTGATGAGCTGTTGTGGGGGATCGGCGTTGGGCCTG-3'
Protein context (NP_001035897.1, residues 87-107): SSRFDCNSVS[Thr97Met]AAVLLADILP